The following is an entry in ClinVar:

NM_003907.3(EIF2B5):c.1633C>T (p.Pro545Ser)

Gene: EIF2B5 (eukaryotic translation initiation factor 2B subunit epsilon; plus strand). Cytogenetic location: 3q27.1.
Variant type: single nucleotide variant.
Coding change: c.1633C>T on transcript NM_003907.3 (MANE Select); coding-DNA position 1633, C replaced by T.
Protein change: p.Pro545Ser; replaces proline 545 with serine.
Molecular consequence: missense variant.
Genome position (GRCh38, 1-based): chr3:184,142,865, C>T. VCF-style: chr3-184142865-C-T. GRCh37 (hg19) VCF-style: chr3-183860653-C-T.
Other names: short protein forms P545S.
Identifiers: ClinVar variation 1984520 (VCV001984520.4), dbSNP rs2473670356, ClinGen allele CA355391951.

ClinVar aggregate classification (germline): Uncertain significance (1 of 4 stars; one submission).

Submission:

Labcorp Genetics (formerly Invitae), Labcorp
Classification: Uncertain significance. Last evaluated: 2022-01-13. Review status: criteria provided, single submitter. Criteria: Invitae Variant Classification Sherloc (09022015). Collection method: clinical testing. Allele origin: germline.
Comment: This variant is not present in population databases (gnomAD no frequency). In summary, the available evidence is currently insufficient to determine the role of this variant in disease. Therefore, it has been classified as a Variant of Uncertain Significance. Advanced modeling of protein sequence and biophysical properties (such as structural, functional, and spatial information, amino acid conservation, physicochemical variation, residue mobility, and thermodynamic stability) performed at Invitae indicates that this missense variant is expected to disrupt EIF2B5 protein function. This variant has not been reported in the literature in individuals affected with EIF2B5-related conditions. This sequence change replaces proline, which is neutral and non-polar, with serine, which is neutral and polar, at codon 545 of the EIF2B5 protein (p.Pro545Ser).